The following is an entry in ClinVar:

ClinVar aggregate classification (germline): Likely pathogenic. Review status: criteria provided, single submitter (1 of 4 stars). 3 submissions from 3 submitters: Likely pathogenic (1). 2 of the submissions do not count toward it. Last evaluated 2026-01-24.

Conditions:
Combined oxidative phosphorylation defect type 21. Also called: Combined oxidative phosphorylation deficiency 21. Identifiers: Orphanet 420733, MedGen C4706316, MONDO:0014398, OMIM 615918.
TARS2-related disorder. Also called: TARS2-related condition.

Allele frequency attached by ClinVar (database versions not stated): gnomAD exomes below 0.00001; TOPMed below 0.00001.
gnomAD v4.1: 9 of 1,613,980 alleles (0.00056%); highest among the groups gnomAD compares: African/African-American, 0.0027%; no homozygotes.

Submissions (3):

PreventionGenetics, part of Exact Sciences
Classification: Likely pathogenic for TARS2-related condition. Last evaluated: 2026-01-24. Review status: criteria provided, single submitter. Criteria: ACMG Guidelines, 2015. Collection method: clinical testing. Allele origin: germline.
Comment: The TARS2 c.2051G>A variant is predicted to result in the amino acid substitution p.Arg684Gln. This variant has been reported in the compound heterozygous state in two unrelated individuals with combined oxidative phosphorylation deficiency 21 (He et al. 2023. PubMed ID: 36218002; Accogli et al. 2023. PubMed ID: 37454282). A functional study using zebrafish suggests that a protein with this variant can not rescue the phenotype caused by knockdown of the zebrafish TARS2 protein (Accogli et al. 2023. PubMed ID: 37454282). This variant is reported in 0.0040% of alleles in individuals of African descent in gnomAD. This variant is interpreted as likely pathogenic.

OMIM
Classification: Pathogenic for COMBINED OXIDATIVE PHOSPHORYLATION DEFICIENCY 21. Last evaluated: 2024-04-01. Review status: no assertion criteria provided. Collection method: literature only. Allele origin: germline. Not counted in ClinVar's aggregate classification.

Houlden Lab, UCL Institute of Neurology
Classification: Likely pathogenic for Combined oxidative phosphorylation defect type 21. Review status: no assertion criteria provided. Collection method: research. Allele origin: germline. Affected: yes. Not counted in ClinVar's aggregate classification.
Comment: This variant was identified in a compound heterozygous state with another TARS2 variant (c.387+6T>C) for this condition.

Literature cited by the submitters: PubMed 37454282 (cited by OMIM).

NM_025150.5(TARS2):c.2051G>A (p.Arg684Gln)

Gene: TARS2 (threonyl-tRNA synthetase 2, mitochondrial; plus strand). Cytogenetic location: 1q21.2.
Variant type: single nucleotide variant.
Coding change: c.2051G>A on transcript NM_025150.5 (MANE Select); coding-DNA position 2051, G replaced by A.
Protein change: p.Arg684Gln; replaces arginine 684 with glutamine.
Molecular consequence: missense variant. On other transcripts: non-coding transcript variant (2).
Genome position (GRCh38, 1-based): chr1:150,506,958, G>A. VCF-style: chr1-150506958-G-A. GRCh37 (hg19) VCF-style: chr1-150479434-G-A.
Other names: p.Arg684Gln; TARS2, ARG684GLN (rs1322913410); c.1805G>A, p.Arg602Gln (NM_001271895.2); c.1661G>A, p.Arg554Gln (NM_001271896.2); c.2051G>A (NM_025150.4); short protein forms R554Q, R684Q, R602Q.
Identifiers: ClinVar variation 1992415 (VCV001992415.2), dbSNP rs1322913410, ClinGen allele CA342331285.